The following is an entry in ClinVar:

ClinVar aggregate classification (germline): Pathogenic (1 of 4 stars; one submission).

Conditions:
Neurofibromatosis, type 1 (NF1). Also called: VON RECKLINGHAUSEN DISEASE; Neurofibromatosis, type I; NEUROFIBROMATOSIS, TYPE I, SOMATIC; Peripheral type neurofibromatosis. Identifiers: Orphanet 636, MedGen C0027831, MONDO:0018975, OMIM 162200. Disease mechanism: loss of function.

Submission:

Labcorp Genetics (formerly Invitae), Labcorp
Classification: Pathogenic for Neurofibromatosis, type 1. Last evaluated: 2023-10-16. Review status: criteria provided, single submitter. Criteria: Invitae Variant Classification Sherloc (09022015). Collection method: clinical testing. Allele origin: germline.
Comment: This sequence change creates a premature translational stop signal (p.Tyr182*) in the NF1 gene. It is expected to result in an absent or disrupted protein product. Loss-of-function variants in NF1 are known to be pathogenic (PMID: 10712197, 23913538). This variant is not present in population databases (gnomAD no frequency). This variant has not been reported in the literature in individuals affected with NF1-related conditions. For these reasons, this variant has been classified as Pathogenic.

Literature cited by the submitters: PubMed 10712197; PubMed 23913538.

NM_001042492.3(NF1):c.546T>G (p.Tyr182Ter)

Gene: NF1 (neurofibromin 1; plus strand). Cytogenetic location: 17q11.2.
Variant type: single nucleotide variant.
Coding change: c.546T>G on transcript NM_001042492.3 (MANE Select); coding-DNA position 546, T replaced by G.
Protein change: p.Tyr182Ter; replaces tyrosine 182 with a stop codon.
Molecular consequence: nonsense.
Genome position (GRCh38, 1-based): chr17:31,169,957, T>G. VCF-style: chr17-31169957-T-G. GRCh37 (hg19) VCF-style: chr17-29496975-T-G.
Other names: c.546T>G, p.Tyr182Ter (NM_000267.4, NM_001128147.3); short protein forms Y182*.
Identifiers: ClinVar variation 2769142 (VCV002769142.3), dbSNP rs2143707737, ClinGen allele CA398985209.